The following is an entry in ClinVar:

ClinVar aggregate classification (germline): Pathogenic (1 of 4 stars; one submission).

Conditions:
Pelizaeus-Merzbacher disease. Also called: LEUKODYSTROPHY, HYPOMYELINATING, 1; Sudanophilic leukodystrophy; Pelizaeus-Merzbacher spectrum disorder; Pelizaeus-Merzbacher Disease (PMD); Pelizeaus-Merzbacher spectrum disorder. Identifiers: Orphanet 702, MedGen C0205711, MONDO:0010714, OMIM 312080, HP:0003269.

Submission:

Molecular Diagnostics Lab, Nemours Children's Health, Delaware
Classification: Pathogenic for Pelizaeus-Merzbacher disease. Last evaluated: 2021-03-31. Review status: criteria provided, single submitter. Criteria: ACMG Guidelines, 2015. Collection method: clinical testing. Allele origin: maternal, unknown. Inheritance: X-linked inheritance. Affected: yes and no. Observed: 2 heterozygotes, 2 hemizygotes.
Comment: This variant (c.282delC, p.Gly95Alafs*19) results in a frameshift to a premature termination. It has not been observed in population databases (gnomAD), but it has been described in the literature (PMID:24139698). This change has been found in 2 affected males within a family who are related through maternal lines, and both mothers are heterozygous carriers. No functional studies have been published.

Literature cited by the submitters: PubMed 24139698.

NM_000533.5(PLP1):c.282del (p.Gly95fs)

Genes: PLP1 (proteolipid protein 1; plus strand), RAB9B (RAB9B, member RAS oncogene family; minus strand). Cytogenetic location: Xq22.2.
Variant type: Deletion.
Coding change: c.282del on transcript NM_000533.5 (MANE Select); coding-DNA position 282, one base deleted (C; older notation c.282delC).
Protein change: p.Gly95fs; shifts the reading frame from glycine 95.
Molecular consequence: frameshift variant.
Genome position (GRCh38, 1-based): chrX:103,786,555, C deleted; the last of 2 consecutive C bases (chrX:103,786,554-103,786,555); deleting either gives the same sequence. VCF-style (leftmost placement, unchanged base first): chrX-103786553-AC-A. GRCh37 (hg19) VCF-style: chrX-103041482-AC-A.
Other names: c.282delC (NM_000533.5); c.282del, p.Gly95fs (NM_001128834.3, NM_199478.3); c.117del, p.Gly40fs (NM_001305004.1); short protein forms G40fs, G95fs.
Identifiers: ClinVar variation 3255418 (VCV003255418.2), dbSNP rs2522307282.